The following is an entry in ClinVar:

ClinVar aggregate classification (germline): Benign. Review status: criteria provided, single submitter (1 of 4 stars). 2 submissions from 2 submitters: Benign (1). 1 of the submissions does not count toward it. Last evaluated 2026-01-19.

Conditions:
DEGS1-related disorder. Also called: DEGS1-related condition.

Allele frequency attached by ClinVar (database versions not stated): gnomAD 0.00017 and 0.00019; 1000 Genomes Project 30x 0.00047; 1000 Genomes Project 0.00060; gnomAD exomes 0.00066 and 0.00151; TOPMed 0.00069; ExAC 0.00111.

Submissions (2):

Labcorp Genetics (formerly Invitae), Labcorp
Classification: Benign. Last evaluated: 2026-01-19. Review status: criteria provided, single submitter. Criteria: Invitae Variant Classification Sherloc (09022015). Collection method: clinical testing. Allele origin: germline.

PreventionGenetics, part of Exact Sciences
Classification: Benign for DEGS1-related condition. Last evaluated: 2019-11-27. Review status: no assertion criteria provided. Collection method: clinical testing. Allele origin: germline. Not counted in ClinVar's aggregate classification.
Comment: This variant is classified as benign based on ACMG/AMP sequence variant interpretation guidelines (Richards et al. 2015 PMID: 25741868, with internal and published modifications).

NM_003676.4(DEGS1):c.524T>A (p.Leu175Gln)

Gene: DEGS1 (delta 4-desaturase, sphingolipid 1; plus strand). Cytogenetic location: 1q42.11.
Variant type: single nucleotide variant.
Coding change: c.524T>A on transcript NM_003676.4 (MANE Select); coding-DNA position 524, T replaced by A.
Protein change: p.Leu175Gln; replaces leucine 175 with glutamine.
Molecular consequence: missense variant.
Genome position (GRCh38, 1-based): chr1:224,190,018, T>A. VCF-style: chr1-224190018-T-A. GRCh37 (hg19) VCF-style: chr1-224377720-T-A.
Other names: c.524T>A, p.Leu175Gln (NM_001321541.2); c.416T>A, p.Leu139Gln (NM_001321542.2); short protein forms L139Q, L175Q.
Identifiers: ClinVar variation 721092 (VCV000721092.11), dbSNP rs191144864, ClinGen allele CA1413644.